The following is an entry in ClinVar:

NM_006206.6(PDGFRA):c.259G>A (p.Val87Met)

Gene: PDGFRA (platelet derived growth factor receptor alpha; plus strand). Cytogenetic location: 4q12.
Variant type: single nucleotide variant.
Coding change: c.259G>A on transcript NM_006206.6 (MANE Select); coding-DNA position 259, G replaced by A.
Protein change: p.Val87Met; replaces valine 87 with methionine.
Molecular consequence: missense variant.
Genome position (GRCh38, 1-based): chr4:54,261,304, G>A. VCF-style: chr4-54261304-G-A. GRCh37 (hg19) VCF-style: chr4-55127471-G-A.
Other names: c.259G>A, p.Val87Met (NM_001347827.2, NM_001347829.2); c.334G>A, p.Val112Met (NM_001347828.2); c.298G>A, p.Val100Met (NM_001347830.2); short protein forms V87M, V112M, V100M.
Identifiers: ClinVar variation 1047734 (VCV001047734.9), dbSNP rs1722696914, ClinGen allele CA356888686.

ClinVar aggregate classification (germline): Uncertain significance (1 of 4 stars; one submission).

Conditions:
Gastrointestinal stromal tumor. Also called: Gastrointestinal stromal tumor, somatic; Gastrointestinal stroma tumor. Identifiers: Orphanet 44890, MedGen C0238198, MeSH D046152, MONDO:0011719, OMIM 606764, HP:0100723.

Allele frequency attached by ClinVar (database versions not stated): gnomAD exomes below 0.00001.
gnomAD v4.1: 1 of 1,614,108 alleles (0.000062%); highest among the groups gnomAD compares: East Asian, 0.0022%; no homozygotes.

Submission:

Labcorp Genetics (formerly Invitae), Labcorp
Classification: Uncertain significance for Gastrointestinal stromal tumor. Last evaluated: 2024-05-15. Review status: criteria provided, single submitter. Criteria: Invitae Variant Classification Sherloc (09022015). Collection method: clinical testing. Allele origin: germline.
Comment: This sequence change replaces valine, which is neutral and non-polar, with methionine, which is neutral and non-polar, at codon 87 of the PDGFRA protein (p.Val87Met). This variant is not present in population databases (gnomAD no frequency). This variant has not been reported in the literature in individuals affected with PDGFRA-related conditions. ClinVar contains an entry for this variant (Variation ID: 1047734). Advanced modeling of protein sequence and biophysical properties (such as structural, functional, and spatial information, amino acid conservation, physicochemical variation, residue mobility, and thermodynamic stability) has been performed at Invitae for this missense variant, however the output from this modeling did not meet the statistical confidence thresholds required to predict the impact of this variant on PDGFRA protein function. In summary, the available evidence is currently insufficient to determine the role of this variant in disease. Therefore, it has been classified as a Variant of Uncertain Significance.